The following is an entry in ClinVar:

NM_000210.4(ITGA6):c.258C>T (p.Cys86=)

Genes: ITGA6 (integrin subunit alpha 6; plus strand), ITGA6-AS1 (ITGA6 and PDK1 antisense RNA 1; minus strand), PDK1-AS1 (PDK1 and ITGA6 antisense RNA 1; minus strand). Cytogenetic location: 2q31.1.
Variant type: single nucleotide variant.
Coding change: c.258C>T on transcript NM_000210.4 (MANE Select); coding-DNA position 258, C replaced by T.
Protein change: p.Cys86=; no amino-acid change (cysteine 86 retained).
Molecular consequence: synonymous variant. On other transcripts: 5 prime UTR variant (1).
Genome position (GRCh38, 1-based): chr2:172,465,614, C>T. VCF-style: chr2-172465614-C-T. GRCh37 (hg19) VCF-style: chr2-173330342-C-T.
Other names: c.258C>T, p.Cys86= (NM_001079818.3, NM_001365529.2, NM_001365530.2); c.-85C>T (NM_001316306.2).
Identifiers: ClinVar variation 781823 (VCV000781823.12), dbSNP rs200919733, ClinGen allele CA1967766.
Genomic context (GRCh38, chr2:172,465,614, plus strand): 5'-CCCGCGGGCAGAAGCGCTTCCACTGCAGAGAGCCAACAGAACGGGAGGGCTGTACAGCTG[C>T]GACATCACCGCCCGGGGGCCATGCACGCGGATCGAGTTTGATAACGATGGTGCGTTCCTT-3'
Protein context (NP_000201.2, residues 76-96): RANRTGGLYS[Cys86=]DITARGPCTR

ClinVar aggregate classification (germline): Likely benign. Review status: criteria provided, multiple submitters, no conflicts (2 of 4 stars). 4 submissions from 4 submitters: Likely benign (3). 1 of the submissions does not count toward it. Last evaluated 2025-11-15.

Conditions:
Epidermolysis bullosa, junctional 6, with pyloric atresia. Also called: ITGA6-Related Epidermolysis Bullosa with Pyloric Atresia. Identifiers: MedGen C5676957, MONDO:0859233, OMIM 619817.
ITGA6-related disorder. Also called: ITGA6-related condition.

Allele frequency attached by ClinVar (database versions not stated): gnomAD 0.00010 and 0.00011; TOPMed 0.00011; ExAC 0.00012; gnomAD exomes 0.00013 and 0.00014.
gnomAD v4.1: 229 of 1,614,096 alleles (0.014%); highest among the groups gnomAD compares: Middle Eastern, 0.082%; no homozygotes.

Submissions (4):

Labcorp Genetics (formerly Invitae), Labcorp
Classification: Likely benign. Last evaluated: 2025-11-15. Review status: criteria provided, single submitter. Criteria: Invitae Variant Classification Sherloc (09022015). Collection method: clinical testing. Allele origin: germline.

Fulgent Genetics
Classification: Likely benign for Epidermolysis bullosa, junctional 6, with pyloric atresia. Last evaluated: 2022-01-14. Review status: criteria provided, single submitter. Criteria: ACMG Guidelines, 2015. Collection method: clinical testing. Allele origin: unknown.

Breakthrough Genomics
Classification: Likely benign. Review status: criteria provided, single submitter. Criteria: ACMG Guidelines, 2015. Collection method: not provided. Allele origin: germline. Inheritance: Autosomal recessive inheritance. Affected: yes.

PreventionGenetics, part of Exact Sciences
Classification: Likely benign for ITGA6-related condition. Last evaluated: 2019-03-18. Review status: no assertion criteria provided. Collection method: clinical testing. Allele origin: germline. Not counted in ClinVar's aggregate classification.
Comment: This variant is classified as likely benign based on ACMG/AMP sequence variant interpretation guidelines (Richards et al. 2015 PMID: 25741868, with internal and published modifications).